The following is an entry in ClinVar:

NM_001079673.2(FNDC3A):c.1752C>T (p.Thr584=)

Gene: FNDC3A (fibronectin type III domain containing 3A; plus strand). Cytogenetic location: 13q14.2.
Variant type: single nucleotide variant.
Coding change: c.1752C>T on transcript NM_001079673.2 (MANE Select); coding-DNA position 1752, C replaced by T.
Protein change: p.Thr584=; no amino-acid change (threonine 584 retained).
Molecular consequence: synonymous variant. On other transcripts: non-coding transcript variant (1).
Genome position (GRCh38, 1-based): chr13:49,186,098, C>T. VCF-style: chr13-49186098-C-T. GRCh37 (hg19) VCF-style: chr13-49760234-C-T.
Other names: c.1752C>T, p.Thr584= (NM_001278438.2); c.1584C>T, p.Thr528= (NM_014923.5).
Identifiers: ClinVar variation 781263 (VCV000781263.7), dbSNP rs112538251, ClinGen allele CA6980146.

ClinVar aggregate classification (germline): Benign. Review status: criteria provided, multiple submitters, no conflicts (2 of 4 stars). 3 submissions from 3 submitters: Benign (2). 1 of the submissions does not count toward it. Last evaluated 2019-12-31.

Conditions:
FNDC3A-related disorder. Also called: FNDC3A-related condition.

Allele frequency attached by ClinVar (database versions not stated): ExAC 0.00220; 1000 Genomes Project 30x 0.00609; 1000 Genomes Project 0.00619; gnomAD 0.00663; ESP Exome Variant Server 0.00738; TOPMed 0.00759.
gnomAD v4.1: 2,001 of 1,608,806 alleles (0.12%); highest among the groups gnomAD compares: African/African-American, 2.3%; 25 homozygotes.

Submissions (3):

Labcorp Genetics (formerly Invitae), Labcorp
Classification: Benign. Last evaluated: 2019-12-31. Review status: criteria provided, single submitter. Criteria: Invitae Variant Classification Sherloc (09022015). Collection method: clinical testing. Allele origin: germline.

Breakthrough Genomics
Classification: Benign. Review status: criteria provided, single submitter. Criteria: ACMG Guidelines, 2015. Collection method: not provided. Allele origin: germline. Inheritance: Unknown mechanism. Affected: yes.

PreventionGenetics, part of Exact Sciences
Classification: Benign for FNDC3A-related condition. Last evaluated: 2019-02-19. Review status: no assertion criteria provided. Collection method: clinical testing. Allele origin: germline. Not counted in ClinVar's aggregate classification.
Comment: This variant is classified as benign based on ACMG/AMP sequence variant interpretation guidelines (Richards et al. 2015 PMID: 25741868, with internal and published modifications).